The following is an entry in ClinVar:

NM_000057.4(BLM):c.3476T>C (p.Leu1159Ser)

Gene: BLM (BLM RecQ like helicase; plus strand). Cytogenetic location: 15q26.1.
Variant type: single nucleotide variant.
Coding change: c.3476T>C on transcript NM_000057.4 (MANE Select); coding-DNA position 3476, T replaced by C.
Protein change: p.Leu1159Ser; replaces leucine 1159 with serine.
Molecular consequence: missense variant. On other transcripts: intron variant (1).
Genome position (GRCh38, 1-based): chr15:90,803,638, T>C. VCF-style: chr15-90803638-T-C. GRCh37 (hg19) VCF-style: chr15-91346868-T-C.
Other names: c.3476T>C, p.Leu1159Ser (NM_001287246.2); c.2351T>C, p.Leu784Ser (NM_001287248.2); c.3358+5301T>C (NM_001287247.2); short protein forms L1159S, L784S.
Identifiers: ClinVar variation 3224481 (VCV003224481.1), dbSNP rs2505547371, ClinGen allele CA393847683.
Genomic context (GRCh38, chr15:90,803,638, plus strand): 5'-GACACAATGCCGAAAGACTTTTTAAAAAGCTGATACTTGACAAGATTTTGGATGAAGACT[T>C]ATATATCAATGCCAATGACCAGGCGATCGCTTATGTGATGCTCGGAAATAAAGCCCAAAC-3'
Protein context (NP_000048.1, residues 1149-1169): LILDKILDED[Leu1159Ser]YINANDQAIA

ClinVar aggregate classification (germline): Uncertain significance (1 of 4 stars; one submission).

Conditions:
Hereditary cancer-predisposing syndrome. Also called: Tumor predisposition; Hereditary neoplastic syndrome; Hereditary Cancer Syndrome; Neoplastic Syndromes, Hereditary. Identifiers: Orphanet 140162, MedGen C0027672, MeSH D009386, MONDO:0015356.

Submission:

Ambry Genetics
Classification: Uncertain significance for Hereditary cancer-predisposing syndrome. Last evaluated: 2023-09-24. Review status: criteria provided, single submitter. Criteria: Ambry Variant Classification Scheme 2023. Collection method: clinical testing. Allele origin: germline.
Comment: The p.L1159S variant (also known as c.3476T>C), located in coding exon 17 of the BLM gene, results from a T to C substitution at nucleotide position 3476. The leucine at codon 1159 is replaced by serine, an amino acid with dissimilar properties. This amino acid position is conserved. In addition, the in silico prediction for this alteration is inconclusive. Since supporting evidence is limited at this time, the clinical significance of this alteration remains unclear.